The following is an entry in ClinVar:

NM_138387.4(G6PC3):c.211_213dup (p.Phe71_Lys72insPhe)

Genes: G6PC3 (glucose-6-phosphatase catalytic subunit 3; plus strand), LOC130060959 (ATAC-STARR-seq lymphoblastoid active region 12250; plus strand). Cytogenetic location: 17q21.31.
Variant type: Duplication.
Coding change: c.211_213dup on transcript NM_138387.4 (MANE Select); coding-DNA positions 211 to 213, 3 bases duplicated (TTC; older notation c.211_213dupTTC).
Protein change: p.Phe71_Lys72insPhe.
Molecular consequence: inframe insertion. On other transcripts: 5 prime UTR variant (3), intron variant (1).
Genome position (GRCh38, 1-based): chr17:44,071,176-44,071,178, TTC duplicated; duplicating any 3 consecutive bases within chr17:44,071,174-44,071,178 gives the same sequence; the c. name uses the placement nearest the transcript's 3' end. VCF-style (leftmost placement, unchanged base first): chr17-44071173-A-ATCT. GRCh37 (hg19) VCF-style: chr17-42148541-A-ATCT.
Other names: c.211_213dup, p.Phe71_Lys72insPhe (NM_001319945.2); c.-194_-192dup (NM_001384165.1); c.-329_-327dup (NM_001384166.1); c.-319_-317dup (NM_001384167.1); c.-311-452_-311-450dup (NM_001384168.1).
Identifiers: ClinVar variation 2077849 (VCV002077849.4), dbSNP rs2509358165, ClinGen allele CA2580093836.

ClinVar aggregate classification (germline): Uncertain significance (1 of 4 stars; one submission).

Conditions:
Autosomal recessive severe congenital neutropenia due to G6PC3 deficiency. Also called: G6PC3 Deficiency; NEUTROPENIA, SEVERE CONGENITAL, 4, AUTOSOMAL RECESSIVE. Identifiers: Orphanet 331176, MedGen C2751630, MONDO:0012930, OMIM 612541.

Submission:

Labcorp Genetics (formerly Invitae), Labcorp
Classification: Uncertain significance for Autosomal recessive severe congenital neutropenia due to G6PC3 deficiency. Last evaluated: 2022-01-10. Review status: criteria provided, single submitter. Criteria: Invitae Variant Classification Sherloc (09022015). Collection method: clinical testing. Allele origin: germline.
Comment: Experimental studies and prediction algorithms are not available or were not evaluated, and the functional significance of this variant is currently unknown. In summary, the available evidence is currently insufficient to determine the role of this variant in disease. Therefore, it has been classified as a Variant of Uncertain Significance. This variant has not been reported in the literature in individuals affected with G6PC3-related conditions. This variant is not present in population databases (gnomAD no frequency). This variant, c.211_213dup, results in the insertion of 1 amino acid(s) of the G6PC3 protein (p.Phe71dup), but otherwise preserves the integrity of the reading frame.